The following is an entry in ClinVar:

NM_004991.4(MECOM):c.1310G>A (p.Gly437Glu)

Gene: MECOM (MDS1 and EVI1 complex locus; minus strand). Cytogenetic location: 3q26.2.
Variant type: single nucleotide variant.
Coding change: c.1310G>A on transcript NM_004991.4 (MANE Select); coding-DNA position 1310, G replaced by A.
Protein change: p.Gly437Glu; replaces glycine 437 with glutamic acid.
Molecular consequence: missense variant. On other transcripts: intron variant (2).
Genome position (GRCh38, 1-based): chr3:169,116,562, C>T on the plus strand (G>A on the coding strand, the complement: MECOM is on the minus strand). VCF-style: chr3-169116562-C-T. GRCh37 (hg19) VCF-style: chr3-168834350-C-T.
Other names: c.941G>A, p.Gly314Glu (NM_001105077.4); c.746G>A, p.Gly249Glu (NM_001105078.4, NM_001164000.2, NM_001205194.2 and 4 more transcripts); c.749G>A, p.Gly250Glu (NM_001163999.2, NM_001366467.2, NM_001366468.2 and 1 more transcripts); c.1310G>A, p.Gly437Glu (NM_001366466.2); c.1133-795G>A (NM_001366473.2); c.569-795G>A (NM_001366474.2); short protein forms G249E, G250E, G314E, G437E.
Identifiers: ClinVar variation 4859800 (VCV004859800.1).

ClinVar aggregate classification (germline): Uncertain significance (1 of 4 stars; one submission).

Conditions:
Inborn genetic diseases. Identifiers: MedGen C0950123, MeSH D030342.

Submission:

Ambry Genetics
Classification: Uncertain significance for Inborn genetic diseases. Last evaluated: 2026-05-24. Review status: criteria provided, single submitter. Criteria: Ambry Variant Classification Scheme 2023. Collection method: clinical testing. Allele origin: germline.
Comment: The p.G437E variant (also known as c.1310G>A), located in coding exon 8 of the MECOM gene, results from a G to A substitution at nucleotide position 1310. The glycine at codon 437 is replaced by glutamic acid, an amino acid with similar properties. This amino acid position is conserved. In addition, the in silico prediction for this alteration is inconclusive. Based on the available evidence, the clinical significance of this variant remains unclear.